The following is an entry in ClinVar:

NM_003921.5(BCL10):c.433G>C (p.Glu145Gln)

Gene: BCL10 (BCL10 immune signaling adaptor; minus strand). Cytogenetic location: 1p22.3.
Variant type: single nucleotide variant.
Coding change: c.433G>C on transcript NM_003921.5 (MANE Select); coding-DNA position 433, G replaced by C.
Protein change: p.Glu145Gln; replaces glutamic acid 145 with glutamine.
Molecular consequence: missense variant.
Genome position (GRCh38, 1-based): chr1:85,267,896, C>G on the plus strand (G>C on the coding strand, the complement: BCL10 is on the minus strand). VCF-style: chr1-85267896-C-G. GRCh37 (hg19) VCF-style: chr1-85733579-C-G.
Other names: c.400G>C, p.Glu134Gln (NM_001320715.2); short protein forms E134Q, E145Q.
Identifiers: ClinVar variation 1476290 (VCV001476290.6), dbSNP rs2100743637, ClinGen allele CA340949275.
Genomic context (GRCh38, chr1:85,267,896, plus strand): 5'-AGGGCGTCGTGCTGGATTCTCCTTCTGGATGGTACATGACAGTGGATGCCCTCAGTTTTT[C>G]AGAGAAATTACTCTCATCTGAATTTGATCTGGAGAGGTTGTTCGTGGCTCCATCTGGAAA-3'
Protein context (NP_003912.1, residues 135-155): RSNSDESNFS[Glu145Gln]KLRASTVMYH

ClinVar aggregate classification (germline): Uncertain significance (1 of 4 stars; one submission).

Conditions:
Immunodeficiency 37 (IMD37). Identifiers: MedGen C4015195, MONDO:0014491, OMIM 616098.

Submission:

Labcorp Genetics (formerly Invitae), Labcorp
Classification: Uncertain significance for Immunodeficiency 37. Last evaluated: 2021-09-19. Review status: criteria provided, single submitter. Criteria: Invitae Variant Classification Sherloc (09022015). Collection method: clinical testing. Allele origin: germline.
Comment: In summary, the available evidence is currently insufficient to determine the role of this variant in disease. Therefore, it has been classified as a Variant of Uncertain Significance. Algorithms developed to predict the effect of missense changes on protein structure and function (SIFT, PolyPhen-2, Align-GVGD) all suggest that this variant is likely to be tolerated. This variant has not been reported in the literature in individuals affected with BCL10-related conditions. This variant is not present in population databases (ExAC no frequency). This sequence change replaces glutamic acid with glutamine at codon 145 of the BCL10 protein (p.Glu145Gln). The glutamic acid residue is moderately conserved and there is a small physicochemical difference between glutamic acid and glutamine.